The following is an entry in ClinVar:

NM_006612.6(KIF1C):c.2666C>T (p.Pro889Leu)

Gene: KIF1C (kinesin family member 1C; plus strand). Cytogenetic location: 17p13.2.
Variant type: single nucleotide variant.
Coding change: c.2666C>T on transcript NM_006612.6 (MANE Select); coding-DNA position 2666, C replaced by T.
Protein change: p.Pro889Leu; replaces proline 889 with leucine.
Molecular consequence: missense variant.
Genome position (GRCh38, 1-based): chr17:5,023,505, C>T. VCF-style: chr17-5023505-C-T. GRCh37 (hg19) VCF-style: chr17-4926800-C-T.
Other names: short protein forms P889L.
Identifiers: ClinVar variation 2152658 (VCV002152658.1), dbSNP rs1975135302, ClinGen allele CA397316705.

ClinVar aggregate classification (germline): Uncertain significance (1 of 4 stars; one submission).

Conditions:
Spastic ataxia 2. Also called: Ataxia, spastic, 2, autosomal recessive. Identifiers: Orphanet 397946, MedGen C1969796, MONDO:0012651, OMIM 611302.

Allele frequency attached by ClinVar (database versions not stated): gnomAD exomes below 0.00001; TOPMed below 0.00001; gnomAD 0.00001.
gnomAD v4.1: 2 of 1,613,944 alleles (0.00012%); highest among the groups gnomAD compares: Non-Finnish European, 0.00017%; no homozygotes.

Submission:

Labcorp Genetics (formerly Invitae), Labcorp
Classification: Uncertain significance for Spastic ataxia 2. Last evaluated: 2022-07-11. Review status: criteria provided, single submitter. Criteria: Invitae Variant Classification Sherloc (09022015). Collection method: clinical testing. Allele origin: germline.
Comment: This sequence change replaces proline, which is neutral and non-polar, with leucine, which is neutral and non-polar, at codon 889 of the KIF1C protein (p.Pro889Leu). This variant is not present in population databases (gnomAD no frequency). This variant has not been reported in the literature in individuals affected with KIF1C-related conditions. Algorithms developed to predict the effect of missense changes on protein structure and function (SIFT, PolyPhen-2, Align-GVGD) all suggest that this variant is likely to be tolerated. In summary, the available evidence is currently insufficient to determine the role of this variant in disease. Therefore, it has been classified as a Variant of Uncertain Significance.